The following is an entry in ClinVar:

NM_020320.5(RARS2):c.919C>A (p.Pro307Thr)

Gene: RARS2 (arginyl-tRNA synthetase 2, mitochondrial; minus strand). Cytogenetic location: 6q15.
Variant type: single nucleotide variant.
Coding change: c.919C>A on transcript NM_020320.5 (MANE Select); coding-DNA position 919, C replaced by A.
Protein change: p.Pro307Thr; replaces proline 307 with threonine.
Molecular consequence: missense variant. On other transcripts: non-coding transcript variant (23).
Genome position (GRCh38, 1-based): chr6:87,524,612, G>T on the plus strand (C>A on the coding strand, the complement: RARS2 is on the minus strand). VCF-style: chr6-87524612-G-T. GRCh37 (hg19) VCF-style: chr6-88234330-G-T.
Other names: c.394C>A, p.Pro132Thr (NM_001318785.2, NM_001350506.2, NM_001350507.2 and 4 more transcripts); c.919C>A, p.Pro307Thr (NM_001350505.2); short protein forms P307T, P132T.
Identifiers: ClinVar variation 1913180 (VCV001913180.5), dbSNP rs2483366665, ClinGen allele CA364926956.
Genomic context (GRCh38, chr6:87,524,612, plus strand): 5'-CAAACCTGGTTGCATAGAGAGAAGTCCCATCACTTCGCATTACAGTACAAATTGAGGAGG[G>T]GTCGCCATTCCCAGAGAGATCTACTACAGCCGTTCCTTTTCTAGAAATTCGAAAAGGTAA-3'
Protein context (NP_064716.2, residues 297-317): AVVDLSGNGD[Pro307Thr]SSICTVMRSD

ClinVar aggregate classification (germline): Uncertain significance (1 of 4 stars; one submission).

Submission:

Labcorp Genetics (formerly Invitae), Labcorp
Classification: Uncertain significance. Last evaluated: 2022-08-22. Review status: criteria provided, single submitter. Criteria: Invitae Variant Classification Sherloc (09022015). Collection method: clinical testing. Allele origin: germline.
Comment: Advanced modeling of protein sequence and biophysical properties (such as structural, functional, and spatial information, amino acid conservation, physicochemical variation, residue mobility, and thermodynamic stability) performed at Invitae indicates that this missense variant is not expected to disrupt RARS2 protein function. This sequence change replaces proline, which is neutral and non-polar, with threonine, which is neutral and polar, at codon 307 of the RARS2 protein (p.Pro307Thr). This variant is not present in population databases (gnomAD no frequency). This variant has not been reported in the literature in individuals affected with RARS2-related conditions. In summary, the available evidence is currently insufficient to determine the role of this variant in disease. Therefore, it has been classified as a Variant of Uncertain Significance.